The following is an entry in ClinVar:

NM_000093.5(COL5A1):c.4936C>T (p.His1646Tyr)

Genes: COL5A1 (collagen type V alpha 1 chain; plus strand), LOC101448202 (uncharacterized LOC101448202; minus strand). Cytogenetic location: 9q34.3.
Variant type: single nucleotide variant.
Coding change: c.4936C>T on transcript NM_000093.5 (MANE Select); coding-DNA position 4936, C replaced by T.
Protein change: p.His1646Tyr; replaces histidine 1646 with tyrosine.
Molecular consequence: missense variant.
Genome position (GRCh38, 1-based): chr9:134,824,837, C>T. VCF-style: chr9-134824837-C-T. GRCh37 (hg19) VCF-style: chr9-137716683-C-T.
Other names: c.4936C>T, p.His1646Tyr (NM_001278074.1); short protein forms H1646Y.
Identifiers: ClinVar variation 1379830 (VCV001379830.6), dbSNP rs2132884669, ClinGen allele CA375458762.
Genomic context (GRCh38, chr9:134,824,837, plus strand): 5'-AAACGGCCCCTGGGCACGCAGCAGAACCCCGCCCGCACCTGCAAGGACCTGCAGCTCTGC[C>T]ACCCCGACTTCCCAGATGGTGAGGGCCTGGGGGGGCAGGGGTGGCCCCCCAAAGCGGGCA-3'
Protein context (NP_000084.3, residues 1636-1656): ARTCKDLQLC[His1646Tyr]PDFPDGEYWV

ClinVar aggregate classification (germline): Uncertain significance (1 of 4 stars; one submission).

Conditions:
Ehlers-Danlos syndrome, classic type, 1 (EDSCL1). Also called: EHLERS-DANLOS SYNDROME, GRAVIS TYPE; EHLERS-DANLOS SYNDROME, SEVERE CLASSIC TYPE; Ehlers-Danlos syndrome, type 1; EDS I; Ehlers-Danlos Syndrome, Classic Type, COL5A1-Related. Identifiers: MedGen C0268335, MONDO:0019567, OMIM 130000.

Allele frequency attached by ClinVar (database versions not stated): gnomAD exomes below 0.00001.
gnomAD v4.1: 1 of 1,613,094 alleles (0.000062%); highest among the groups gnomAD compares: South Asian, 0.0011%; no homozygotes.

Submission:

Labcorp Genetics (formerly Invitae), Labcorp
Classification: Uncertain significance for Ehlers-Danlos syndrome, classic type, 1. Last evaluated: 2021-11-19. Review status: criteria provided, single submitter. Criteria: Invitae Variant Classification Sherloc (09022015). Collection method: clinical testing. Allele origin: germline.
Comment: In summary, the available evidence is currently insufficient to determine the role of this variant in disease. Therefore, it has been classified as a Variant of Uncertain Significance. Advanced modeling of protein sequence and biophysical properties (such as structural, functional, and spatial information, amino acid conservation, physicochemical variation, residue mobility, and thermodynamic stability) performed at Invitae indicates that this missense variant is not expected to disrupt COL5A1 protein function. This variant has not been reported in the literature in individuals affected with COL5A1-related conditions. This variant is not present in population databases (gnomAD no frequency). This sequence change replaces histidine, which is basic and polar, with tyrosine, which is neutral and polar, at codon 1646 of the COL5A1 protein (p.His1646Tyr).